The following is an entry in ClinVar:

NM_005502.4(ABCA1):c.*3083T>C

Genes: ABCA1 (ATP binding cassette subfamily A member 1; minus strand), NIPSNAP3B (nipsnap homolog 3B; plus strand). Cytogenetic location: 9q31.1.
Variant type: single nucleotide variant.
Coding change: c.*3083T>C on transcript NM_005502.4 (MANE Select); 3083 bases downstream of the stop codon, T replaced by C.
Molecular consequence: 3 prime UTR variant.
Genome position (GRCh38, 1-based): chr9:104,781,232, A>G on the plus strand (T>C on the coding strand, the complement: ABCA1 is on the minus strand). VCF-style: chr9-104781232-A-G. GRCh37 (hg19) VCF-style: chr9-107543513-A-G.
Identifiers: ClinVar variation 364325 (VCV000364325.5), dbSNP rs77877520, ClinGen allele CA10628642.

ClinVar aggregate classification (germline): Benign. Review status: criteria provided, single submitter (1 of 4 stars). 2 submissions from 1 submitter: Benign (2). Last evaluated 2018-01-13.

Conditions:
Tangier disease (TGD). Also called: HIGH DENSITY LIPOPROTEIN DEFICIENCY, TANGIER TYPE; HIGH DENSITY LIPOPROTEIN DEFICIENCY, TYPE 1; Cholesterol thesaurismosis. Identifiers: Orphanet 31150, MedGen C0039292, MONDO:0008783, OMIM 205400.
Hypoalphalipoproteinemia, primary, 1. Identifiers: Orphanet 425, MedGen C5231558, MONDO:0011393, OMIM 604091.

Allele frequency attached by ClinVar (database versions not stated): 1000 Genomes Project 0.00699; 1000 Genomes Project 30x 0.00750; gnomAD 0.00786 and 0.00843; TOPMed 0.00837.

Submissions (2):

Illumina Laboratory Services, Illumina
Classification: Benign for Hypoalphalipoproteinemia, primary, 1. Last evaluated: 2018-01-13. Review status: criteria provided, single submitter. Criteria: ICSL Variant Classification Criteria 13 December 2019. Collection method: clinical testing. Allele origin: germline.
Comment: This variant was observed in the ICSL laboratory as part of a predisposition screen in an ostensibly healthy population. It had not been previously curated by ICSL or reported in the Human Gene Mutation Database (HGMD: prior to June 1st, 2018), and was therefore a candidate for classification through an automated scoring system. Utilizing variant allele frequency, disease prevalence and penetrance estimates, and inheritance mode, an automated score was calculated to assess if this variant is too frequent to cause the disease. Based on the score and internal cut-off values, a variant classified as benign is not then subjected to further curation. The score for this variant resulted in a classification of benign for this disease.

Illumina Laboratory Services, Illumina
Classification: Benign for Tangier disease. Last evaluated: 2018-01-13. Review status: criteria provided, single submitter. Criteria: ICSL Variant Classification Criteria 13 December 2019. Collection method: clinical testing. Allele origin: germline.
Comment: the same text as in the submission from Illumina Laboratory Services, Illumina above.